The following is an entry in ClinVar:

NM_001042413.2(GLIS3):c.2335C>A (p.Pro779Thr)

Gene: GLIS3 (GLIS family zinc finger 3; minus strand). Cytogenetic location: 9p24.2.
Variant type: single nucleotide variant.
Coding change: c.2335C>A on transcript NM_001042413.2 (MANE Select); coding-DNA position 2335, C replaced by A.
Protein change: p.Pro779Thr; replaces proline 779 with threonine.
Molecular consequence: missense variant.
Genome position (GRCh38, 1-based): chr9:3,856,147, G>T on the plus strand (C>A on the coding strand, the complement: GLIS3 is on the minus strand). VCF-style: chr9-3856147-G-T. GRCh37 (hg19) VCF-style: chr9-3856147-G-T.
Other names: c.1870C>A, p.Pro624Thr (NM_152629.4); short protein forms P624T, P779T.
Identifiers: ClinVar variation 3026671 (VCV003026671.22), dbSNP rs2537166958, ClinGen allele CA372805522.
Genomic context (GRCh38, chr9:3,856,147, plus strand): 5'-GCTGGGTATAGGGAGGCTGTGTTCTTTGCAGTATTGAAGAAGGAGCTGGAACTCTCCGGG[G>T]GCTGATGTGGTGAGGAGATGGAGCAGAAGGTGCAAACCTGAGAAAACAATTATAAAAGGA-3'
Protein context (NP_001035878.1, residues 769-789): PSAPSPHHIS[Pro779Thr]RRVPAPSSIL

ClinVar aggregate classification (germline): Uncertain significance (1 of 4 stars; one submission).

Allele frequency attached by ClinVar (database versions not stated): gnomAD exomes below 0.00001.
gnomAD v4.1: 1 of 1,614,120 alleles (0.000062%); no homozygotes.

Submission:

CeGaT Center for Human Genetics Tuebingen
Classification: Uncertain significance. Last evaluated: 2023-12-01. Review status: criteria provided, single submitter. Criteria: CeGaT Center For Human Genetics Tuebingen Variant Classification Criteria Version 2. Collection method: clinical testing. Allele origin: germline. Affected: yes. Observed: 1 variant allele.
Comment: GLIS3: PM2